The following is an entry in ClinVar:

ClinVar aggregate classification (germline): Uncertain significance (1 of 4 stars; one submission).

Conditions:
Early Myoclonic Encephalopathy. Identifiers: MedGen C0270855.

Allele frequency attached by ClinVar (database versions not stated): gnomAD exomes 0.00001; ExAC 0.00002.
gnomAD v4.1: 6 of 1,611,980 alleles (0.00037%); highest among the groups gnomAD compares: South Asian, 0.0033%; no homozygotes.

Submission:

Labcorp Genetics (formerly Invitae), Labcorp
Classification: Uncertain significance for Early Myoclonic Encephalopathy. Last evaluated: 2025-12-09. Review status: criteria provided, single submitter. Criteria: Invitae Variant Classification Sherloc (09022015). Collection method: clinical testing. Allele origin: germline.
Comment: This sequence change affects codon 489 of the KCND2 mRNA. It is a 'silent' change, meaning that it does not change the encoded amino acid sequence of the KCND2 protein. This variant also falls at the last nucleotide of exon 4, which is part of the consensus splice site for this exon. This variant is present in population databases (rs762124346, gnomAD 0.003%). This variant has not been reported in the literature in individuals affected with KCND2-related conditions. ClinVar contains an entry for this variant (Variation ID: 583107). Variants that disrupt the consensus splice site are a relatively common cause of aberrant splicing (PMID: 17576681, 9536098). Algorithms developed to predict the effect of sequence changes on RNA splicing suggest that this variant may disrupt the consensus splice site. In summary, the available evidence is currently insufficient to determine the role of this variant in disease. Therefore, it has been classified as a Variant of Uncertain Significance.

Literature cited by the submitters: PubMed 17576681; PubMed 9536098.

NM_012281.3(KCND2):c.1467G>A (p.Thr489=)

Gene: KCND2 (potassium voltage-gated channel subfamily D member 2; plus strand). Cytogenetic location: 7q31.31.
Variant type: single nucleotide variant.
Coding change: c.1467G>A on transcript NM_012281.3 (MANE Select); coding-DNA position 1467, G replaced by A.
Protein change: p.Thr489=; no amino-acid change (threonine 489 retained).
Molecular consequence: synonymous variant.
Genome position (GRCh38, 1-based): chr7:120,742,602, G>A. VCF-style: chr7-120742602-G-A. GRCh37 (hg19) VCF-style: chr7-120382656-G-A.
Identifiers: ClinVar variation 583107 (VCV000583107.6), dbSNP rs762124346, ClinGen allele CA4453684.